The following is an entry in ClinVar:

NM_001130009.3(GEN1):c.1265A>G (p.Glu422Gly)

Gene: GEN1 (GEN1 Holliday junction 5' flap endonuclease; plus strand). Cytogenetic location: 2p24.2.
Variant type: single nucleotide variant.
Coding change: c.1265A>G on transcript NM_001130009.3 (MANE Select); coding-DNA position 1265, A replaced by G.
Protein change: p.Glu422Gly; replaces glutamic acid 422 with glycine.
Molecular consequence: missense variant.
Genome position (GRCh38, 1-based): chr2:17,779,978, A>G. VCF-style: chr2-17779978-A-G. GRCh37 (hg19) VCF-style: chr2-17961245-A-G.
Other names: c.1265A>G, p.Glu422Gly (NM_182625.5); short protein forms E422G.
Identifiers: ClinVar variation 4029262 (VCV004029262.1).

ClinVar aggregate classification (germline): Uncertain significance (1 of 4 stars; one submission).

gnomAD v4.1: 1 of 1,597,352 alleles (0.000063%); highest among the groups gnomAD compares: Non-Finnish European, 0.000086%; no homozygotes.

Submission:

Ambry Genetics
Classification: Uncertain significance. Last evaluated: 2025-05-01. Review status: criteria provided, single submitter. Criteria: Ambry Variant Classification Scheme 2023. Collection method: clinical testing. Allele origin: germline.
Comment: The p.E422G variant (also known as c.1265A>G) is located in coding exon 12 of the GEN1 gene. The glutamic acid at codon 422 is replaced by glycine, an amino acid with similar properties. This change occurs in the first base pair of coding exon 12. This amino acid position is conserved. In addition, this alteration is predicted to be tolerated by in silico analysis. Based on the available evidence, the clinical significance of this variant remains unclear.